The following is an entry in ClinVar:

NM_003001.5(SDHC):c.144A>G (p.Ser48=)

Gene: SDHC (succinate dehydrogenase complex subunit C; plus strand). Cytogenetic location: 1q23.3.
Variant type: single nucleotide variant.
Coding change: c.144A>G on transcript NM_003001.5 (MANE Select); coding-DNA position 144, A replaced by G.
Protein change: p.Ser48=; no amino-acid change (serine 48 retained).
Molecular consequence: synonymous variant. On other transcripts: non-coding transcript variant (1), intron variant (4).
Genome position (GRCh38, 1-based): chr1:161,328,462, A>G. VCF-style: chr1-161328462-A-G. GRCh37 (hg19) VCF-style: chr1-161298252-A-G.
Other names: c.144A>G, p.Ser48= (NM_001035511.3, NM_001407115.1); c.87A>G, p.Ser29= (NM_001407116.1, NM_001407117.1, NM_001407121.1); c.33A>G, p.Ser11= (NM_001407119.1, NM_001407120.1); c.77+4792A>G (NM_001035512.3, NM_001278172.3, NM_001407118.1); c.21-12132A>G (NM_001035513.3).
Identifiers: ClinVar variation 3385991 (VCV003385991.1).

ClinVar aggregate classification (germline): Likely benign (1 of 4 stars; one submission).

Conditions:
Hereditary pheochromocytoma and paraganglioma. Also called: Hereditary Paraganglioma-Pheochromocytoma Syndromes; Hereditary pheochromocytoma-paraganglioma; Hereditary paragangliomas and pheochromocytomas. Identifiers: Orphanet 29072, MedGen C4274332, MONDO:0017366.

Submission:

All of Us Research Program, National Institutes of Health
Classification: Likely benign for Hereditary pheochromocytoma and paraganglioma. Last evaluated: 2024-07-20. Review status: criteria provided, single submitter. Criteria: ACMG Guidelines, 2015. Collection method: clinical testing. Allele origin: germline. Inheritance: Autosomal dominant inheritance. Observed: 1 variant allele, 1 heterozygote.
Comment: This study involves interpretation of variants in research participants for the purpose of population health screening. Participant phenotype was not available at the time of variant classification. Additional details can be found in publication PMID: 35346344, PMCID: PMC8962531